The following is an entry in ClinVar:

ClinVar aggregate classification (germline): Benign/Likely benign. Review status: criteria provided, multiple submitters, no conflicts (2 of 4 stars). 3 submissions from 3 submitters: Benign (1); Likely benign (2). Last evaluated 2026-01-28.

Conditions:
Methylcobalamin deficiency type cblE (HMAE). Also called: VITAMIN B12-RESPONSIVE HOMOCYSTINURIA, cblE TYPE; HOMOCYSTINURIA-MEGALOBLASTIC ANEMIA, cblE COMPLEMENTATION TYPE; HOMOCYSTINURIA-MEGALOBLASTIC ANEMIA, cblE TYPE. Identifiers: Orphanet 2169, Orphanet 622, MedGen C1856057, MONDO:0009354, OMIM 236270.

Allele frequency attached by ClinVar (database versions not stated): gnomAD exomes 0.00016 and 0.00039; ExAC 0.00053; 1000 Genomes Project 30x 0.00094; gnomAD 0.00112 and 0.00120; 1000 Genomes Project 0.00120; ESP Exome Variant Server 0.00138; TOPMed 0.00145.
gnomAD v4.1: 432 of 1,614,192 alleles (0.027%); highest among the groups gnomAD compares: African/African-American, 0.42%; 3 homozygotes.

Submissions (3):

Labcorp Genetics (formerly Invitae), Labcorp
Classification: Benign for Methylcobalamin deficiency type cblE. Last evaluated: 2026-01-28. Review status: criteria provided, single submitter. Criteria: Invitae Variant Classification Sherloc (09022015). Collection method: clinical testing. Allele origin: germline.

Blueprint Genetics
Classification: Likely benign. Last evaluated: 2024-10-08. Review status: criteria provided, single submitter. Criteria: ACMG Guidelines, 2015. Collection method: clinical testing. Allele origin: germline.

GeneDx
Classification: Likely benign. Last evaluated: 2017-11-30. Review status: criteria provided, single submitter. Criteria: GeneDx Variant Classification (06012015). Collection method: clinical testing. Allele origin: germline. Affected: yes.
Comment: This variant is considered likely benign or benign based on one or more of the following criteria: it is a conservative change, it occurs at a poorly conserved position in the protein, it is predicted to be benign by multiple in silico algorithms, and/or has population frequency not consistent with disease.

NM_002454.3(MTRR):c.828G>A (p.Val276=)

Gene: MTRR (5-methyltetrahydrofolate-homocysteine methyltransferase reductase; plus strand). Cytogenetic location: 5p15.31.
Variant type: single nucleotide variant.
Coding change: c.828G>A on transcript NM_002454.3 (MANE Select); coding-DNA position 828, G replaced by A.
Protein change: p.Val276=; no amino-acid change (valine 276 retained).
Molecular consequence: synonymous variant. On other transcripts: non-coding transcript variant (14).
Genome position (GRCh38, 1-based): chr5:7,883,202, G>A. VCF-style: chr5-7883202-G-A. GRCh37 (hg19) VCF-style: chr5-7883315-G-A.
Other names: c.828G>A, p.Val276= (NM_001364440.2, NM_001364441.2, NM_001364442.2 and 1 more transcripts).
Identifiers: ClinVar variation 384902 (VCV000384902.15), dbSNP rs115289458, ClinGen allele CA3195713.